The following is an entry in ClinVar:

ClinVar aggregate classification (germline): Uncertain significance (1 of 4 stars; one submission).

gnomAD v4.1: 12 of 1,612,756 alleles (0.00074%); highest among the groups gnomAD compares: East Asian, 0.0045%; no homozygotes.

Submission:

Labcorp Genetics (formerly Invitae), Labcorp
Classification: Uncertain significance. Last evaluated: 2025-05-30. Review status: criteria provided, single submitter. Criteria: Invitae Variant Classification Sherloc (09022015). Collection method: clinical testing. Allele origin: germline.
Comment: This sequence change replaces proline, which is neutral and non-polar, with leucine, which is neutral and non-polar, at codon 512 of the MKL1 protein (p.Pro512Leu). This variant is not present in population databases (gnomAD no frequency). This variant has not been reported in the literature in individuals affected with MKL1-related conditions. ClinVar contains an entry for this variant (Variation ID: 1683033). An algorithm developed to predict the effect of missense changes on protein structure and function (PolyPhen-2) suggests that this variant is likely to be disruptive. In summary, the available evidence is currently insufficient to determine the role of this variant in disease. Therefore, it has been classified as a Variant of Uncertain Significance.

NM_020831.6(MRTFA):c.1835C>T (p.Pro612Leu)

Gene: MRTFA (myocardin related transcription factor A; minus strand). Cytogenetic location: 22q13.1.
Variant type: single nucleotide variant.
Coding change: c.1835C>T on transcript NM_020831.6 (MANE Select); coding-DNA position 1835, C replaced by T.
Protein change: p.Pro612Leu; replaces proline 612 with leucine.
Molecular consequence: missense variant.
Genome position (GRCh38, 1-based): chr22:40,418,903, G>A on the plus strand (C>T on the coding strand, the complement: MRTFA is on the minus strand). VCF-style: chr22-40418903-G-A. GRCh37 (hg19) VCF-style: chr22-40814907-G-A.
Other names: c.1535C>T, p.Pro512Leu (NM_001282660.2); c.1685C>T, p.Pro562Leu (NM_001282661.3); c.1835C>T, p.Pro612Leu (NM_001282662.3); c.1640C>T, p.Pro547Leu (NM_001318139.2); short protein forms P512L, P547L, P562L, P612L.
Identifiers: ClinVar variation 1683033 (VCV001683033.8), dbSNP rs370416906, ClinGen allele CA411660230.